The following is an entry in ClinVar:

NM_016642.4(SPTBN5):c.9281C>T (p.Ala3094Val)

Gene: SPTBN5 (spectrin beta, non-erythrocytic 5; minus strand). Cytogenetic location: 15q15.1.
Variant type: single nucleotide variant.
Coding change: c.9281C>T on transcript NM_016642.4 (MANE Select); coding-DNA position 9281, C replaced by T.
Protein change: p.Ala3094Val; replaces alanine 3094 with valine.
Molecular consequence: missense variant.
Genome position (GRCh38, 1-based): chr15:41,855,366, G>A on the plus strand (C>T on the coding strand, the complement: SPTBN5 is on the minus strand). VCF-style: chr15-41855366-G-A. GRCh37 (hg19) VCF-style: chr15-42147564-G-A.
Other names: c.9176C>T (NM_016642.2); short protein forms A3094V.
Identifiers: ClinVar variation 2645208 (VCV002645208.25), dbSNP rs200637072, ClinGen allele CA7501496.

ClinVar aggregate classification (germline): Likely benign. Review status: criteria provided, multiple submitters, no conflicts (2 of 4 stars). 2 submissions from 2 submitters: Likely benign (2). Last evaluated 2024-03-01.

Allele frequency attached by ClinVar (database versions not stated): ESP Exome Variant Server 0.00008; ExAC 0.00015.
gnomAD v4.1: 189 of 1,604,908 alleles (0.012%); highest among the groups gnomAD compares: Non-Finnish European, 0.013%; no homozygotes.

Submissions (2):

CeGaT Center for Human Genetics Tuebingen
Classification: Likely benign. Last evaluated: 2024-03-01. Review status: criteria provided, single submitter. Criteria: CeGaT Center For Human Genetics Tuebingen Variant Classification Criteria Version 2. Collection method: clinical testing. Allele origin: germline. Affected: yes. Observed: 2 variant alleles.
Comment: SPTBN5: BP4

Ambry Genetics
Classification: Likely benign. Last evaluated: 2021-08-09. Review status: criteria provided, single submitter. Criteria: Ambry Variant Classification Scheme 2023. Collection method: clinical testing. Allele origin: germline.